The following is an entry in ClinVar:

NM_024665.7(TBL1XR1):c.1048-1G>A

Genes: TBL1XR1 (TBL1X/Y related 1; minus strand), TBL1XR1-AS1 (TBL1XR1 antisense RNA 1; plus strand), LOC126806878 (CDK7 strongly-dependent group 2 enhancer GRCh37_chr3:176755168-176756367; plus strand). Cytogenetic location: 3q26.32.
Variant type: single nucleotide variant.
Coding change: c.1048-1G>A on transcript NM_024665.7 (MANE Select); the canonical splice acceptor site of the intron before coding-DNA position 1048, G replaced by A.
Molecular consequence: splice acceptor variant.
Genome position (GRCh38, 1-based): chr3:177,038,173, C>T on the plus strand (G>A on the coding strand, the complement: TBL1XR1 is on the minus strand). VCF-style: chr3-177038173-C-T. GRCh37 (hg19) VCF-style: chr3-176755961-C-T.
Other names: c.1048-1G>A (NM_001374327.1, NM_001321194.3, NM_001321193.3 and 2 more transcripts); c.787-1G>A (NM_001374330.1, NM_001321195.3).
Identifiers: ClinVar variation 647180 (VCV000647180.1), dbSNP rs1576993734, ClinGen allele CA355555170.

ClinVar aggregate classification (germline): Likely pathogenic (1 of 4 stars; one submission).

Conditions:
Pierpont syndrome (PRPTS). Identifiers: Orphanet 487825, MedGen C1865644, MONDO:0011213, OMIM 602342.

Submission:

Labcorp Genetics (formerly Invitae), Labcorp
Classification: Likely pathogenic for Pierpont syndrome. Last evaluated: 2019-01-09. Review status: criteria provided, single submitter. Criteria: Invitae Variant Classification Sherloc (09022015). Collection method: clinical testing. Allele origin: germline.
Comment: This sequence change affects an acceptor splice site in intron 11 of the TBL1XR1 gene. It is expected to disrupt RNA splicing and likely results in an absent or disrupted protein product. This variant is not present in population databases (ExAC no frequency). This variant has not been reported in the literature in individuals with TBL1XR1-related conditions. Donor and acceptor splice site variants typically lead to a loss of protein function (PMID: 16199547), and loss-of-function variants in TBL1XR1 are known to be pathogenic (PMID: 23160955, 26740553, 27824329). In summary, the currently available evidence indicates that the variant is pathogenic, but additional data are needed to prove that conclusively. Therefore, this variant has been classified as Likely Pathogenic.

Literature cited by the submitters: PubMed 26740553; PubMed 23160955; PubMed 27824329.